The following is an entry in ClinVar:

NM_001371727.1(GABRB2):c.1173C>T (p.Tyr391=)

Gene: GABRB2 (gamma-aminobutyric acid type A receptor subunit beta2; minus strand). Cytogenetic location: 5q34.
Variant type: single nucleotide variant.
Coding change: c.1173C>T on transcript NM_001371727.1 (MANE Select); coding-DNA position 1173, C replaced by T.
Protein change: p.Tyr391=; no amino-acid change (tyrosine 391 retained).
Molecular consequence: synonymous variant. On other transcripts: intron variant (1).
Genome position (GRCh38, 1-based): chr5:161,326,386, G>A on the plus strand (C>T on the coding strand, the complement: GABRB2 is on the minus strand). VCF-style: chr5-161326386-G-A. GRCh37 (hg19) VCF-style: chr5-160753393-G-A.
Other names: c.1173C>T, p.Tyr391= (NM_021911.3); c.1077+4497C>T (NM_000813.3).
Identifiers: ClinVar variation 386161 (VCV000386161.10), dbSNP rs753777522, ClinGen allele CA3543392.

ClinVar aggregate classification (germline): Likely benign. Review status: criteria provided, multiple submitters, no conflicts (2 of 4 stars). 2 submissions from 2 submitters: Likely benign (2). Last evaluated 2025-04-19.

Conditions:
Intellectual disability. Also called: Intellectual functioning disability; intellectual disabilities; Intellectual developmental disorder. Identifiers: MedGen C3714756, MeSH D008607, MONDO:0001071, HP:0001249.

Allele frequency attached by ClinVar (database versions not stated): TOPMed 0.00002; gnomAD 0.00001; ExAC 0.00002; gnomAD exomes 0.00001.
gnomAD v4.1: 10 of 1,613,570 alleles (0.00062%); highest among the groups gnomAD compares: South Asian, 0.0066%; no homozygotes.

Submissions (2):

Labcorp Genetics (formerly Invitae), Labcorp
Classification: Likely benign for Intellectual disability. Last evaluated: 2025-04-19. Review status: criteria provided, single submitter. Criteria: Invitae Variant Classification Sherloc (09022015). Collection method: clinical testing. Allele origin: germline.

GeneDx
Classification: Likely benign. Last evaluated: 2016-05-16. Review status: criteria provided, single submitter. Criteria: GeneDx Variant Classification (06012015). Collection method: clinical testing. Allele origin: germline. Affected: yes.
Comment: This variant is considered likely benign or benign based on one or more of the following criteria: it is a conservative change, it occurs at a poorly conserved position in the protein, it is predicted to be benign by multiple in silico algorithms, and/or has population frequency not consistent with disease.